The following is an entry in ClinVar:

NM_001040142.2(SCN2A):c.1751C>G (p.Ala584Gly)

Gene: SCN2A (sodium voltage-gated channel alpha subunit 2; plus strand). Cytogenetic location: 2q24.3.
Variant type: single nucleotide variant.
Coding change: c.1751C>G on transcript NM_001040142.2 (MANE Select); coding-DNA position 1751, C replaced by G.
Protein change: p.Ala584Gly; replaces alanine 584 with glycine.
Molecular consequence: missense variant.
Genome position (GRCh38, 1-based): chr2:165,323,235, C>G. VCF-style: chr2-165323235-C-G. GRCh37 (hg19) VCF-style: chr2-166179745-C-G.
Other names: c.1751C>G, p.Ala584Gly (NM_001040143.2, NM_001371246.1, NM_001371247.1 and 1 more transcripts); short protein forms A584G.
Identifiers: ClinVar variation 1518543 (VCV001518543.5), dbSNP rs1015465660, ClinGen allele CA59736802.

ClinVar aggregate classification (germline): Uncertain significance (1 of 4 stars; one submission).

Conditions:
Seizures, benign familial infantile, 3 (BFIS3). Also called: Familial neonatal seizures; CONVULSIONS, BENIGN FAMILIAL INFANTILE, 3. Identifiers: Orphanet 140927, Orphanet 306, MedGen C1843140, MONDO:0011904, OMIM 607745.
Developmental and epileptic encephalopathy, 11 (DEE11). Also called: Early infantile epileptic encephalopathy 11. Identifiers: Orphanet 1934, MedGen C3150987, MONDO:0013388, OMIM 613721.

Allele frequency attached by ClinVar (database versions not stated): TOPMed below 0.00001.

Submission:

Labcorp Genetics (formerly Invitae), Labcorp
Classification: Uncertain significance for Seizures, benign familial infantile, 3; Developmental and epileptic encephalopathy, 11. Last evaluated: 2025-10-20. Review status: criteria provided, single submitter. Criteria: Invitae Variant Classification Sherloc (09022015). Collection method: clinical testing. Allele origin: germline.
Comment: This sequence change replaces alanine, which is neutral and non-polar, with glycine, which is neutral and non-polar, at codon 584 of the SCN2A protein (p.Ala584Gly). This variant is not present in population databases (gnomAD no frequency). This missense change has been observed in individual(s) with clinical features of SCN2A-related conditions (internal data). ClinVar contains an entry for this variant (Variation ID: 1518543). Invitae Evidence Modeling of protein sequence and biophysical properties (such as structural, functional, and spatial information, amino acid conservation, physicochemical variation, residue mobility, and thermodynamic stability) indicates that this missense variant is not expected to disrupt SCN2A protein function with a negative predictive value of 95%. In summary, the available evidence is currently insufficient to determine the role of this variant in disease. Therefore, it has been classified as a Variant of Uncertain Significance.